The following is an entry in ClinVar:

ClinVar aggregate classification (germline): Benign/Likely benign. Review status: criteria provided, multiple submitters, no conflicts (2 of 4 stars). 8 submissions from 8 submitters: Benign (4); Likely benign (4). Last evaluated 2026-02-02.

Conditions:
Nephronophthisis. Also called: Juvenile Nephronophthisis. Identifiers: Orphanet 655, MedGen C0687120, MONDO:0019005, HP:0000090.
Infantile nephronophthisis (NPHP2). Also called: Nephronophthisis 2; Nephronophthisis 2, infantile. Identifiers: Orphanet 655, Orphanet 93591, MedGen C1865872, MONDO:0011190, OMIM 602088.

Allele frequency attached by ClinVar (database versions not stated): ESP Exome Variant Server 0.00446; ExAC 0.00456; gnomAD 0.00485 and 0.00445; 1000 Genomes Project 30x 0.00312; gnomAD exomes 0.00467 and 0.00576; 1000 Genomes Project 0.00339; TOPMed 0.00401.
gnomAD v4.1: 9,067 of 1,613,908 alleles (0.56%); highest among the groups gnomAD compares: Non-Finnish European, 0.65%; 42 homozygotes.

Submissions (8):

Labcorp Genetics (formerly Invitae), Labcorp
Classification: Benign for Nephronophthisis. Last evaluated: 2026-02-02. Review status: criteria provided, single submitter. Criteria: Invitae Variant Classification Sherloc (09022015). Collection method: clinical testing. Allele origin: germline.

CeGaT Center for Human Genetics Tuebingen
Classification: Likely benign. Last evaluated: 2026-02-01. Review status: criteria provided, single submitter. Criteria: CeGaT Center For Human Genetics Tuebingen Variant Classification Criteria Version 2. Collection method: clinical testing. Allele origin: germline. Affected: yes. Observed: 8 variant alleles.
Comment: INVS: BS2

Blueprint Genetics
Classification: Likely benign. Last evaluated: 2024-11-27. Review status: criteria provided, single submitter. Criteria: ACMG Guidelines, 2015. Collection method: clinical testing. Allele origin: germline.

Mayo Clinic Laboratories, Mayo Clinic
Classification: Benign. Last evaluated: 2021-05-19. Review status: criteria provided, single submitter. Criteria: ACMG Guidelines, 2015. Collection method: clinical testing. Allele origin: germline. Observed: 3 variant alleles.

Illumina Laboratory Services, Illumina
Classification: Likely benign for Infantile nephronophthisis. Last evaluated: 2018-01-12. Review status: criteria provided, single submitter. Criteria: ICSL Variant Classification Criteria 13 December 2019. Collection method: clinical testing. Allele origin: germline.
Comment: This variant was observed in the ICSL laboratory as part of a predisposition screen in an ostensibly healthy population. It had not been previously curated by ICSL or reported in the Human Gene Mutation Database (HGMD: prior to June 1st, 2018), and was therefore a candidate for classification through an automated scoring system. Utilizing variant allele frequency, disease prevalence and penetrance estimates, and inheritance mode, an automated score was calculated to assess if this variant is too frequent to cause the disease. Based on the score and internal cut-off values, a variant classified as likely benign is not then subjected to further curation. The score for this variant resulted in a classification of likely benign for this disease.

Eurofins Ntd Llc (ga)
Classification: Benign. Last evaluated: 2013-09-25. Review status: criteria provided, single submitter. Criteria: EGL Classification Definitions 2015. Collection method: clinical testing. Allele origin: germline. Observed: 2 variant alleles, 2 heterozygotes.

Breakthrough Genomics
Classification: Likely benign. Review status: criteria provided, single submitter. Criteria: ACMG Guidelines, 2015. Collection method: not provided. Allele origin: germline. Inheritance: Autosomal recessive inheritance. Affected: yes.

PreventionGenetics, part of Exact Sciences
Classification: Benign. Review status: criteria provided, single submitter. Criteria: ACMG Guidelines, 2015. Collection method: clinical testing. Allele origin: germline.

NM_014425.5(INVS):c.725C>T (p.Ser242Leu)

Gene: INVS (inversin; plus strand). Cytogenetic location: 9q31.1.
Variant type: single nucleotide variant.
Coding change: c.725C>T on transcript NM_014425.5 (MANE Select); coding-DNA position 725, C replaced by T.
Protein change: p.Ser242Leu; replaces serine 242 with leucine.
Molecular consequence: missense variant. On other transcripts: 5 prime UTR variant (1), non-coding transcript variant (1).
Genome position (GRCh38, 1-based): chr9:100,240,169, C>T. VCF-style: chr9-100240169-C-T. GRCh37 (hg19) VCF-style: chr9-103002451-C-T.
Other names: c.437C>T, p.Ser146Leu (NM_001318381.2); c.-265C>T (NM_001318382.2); short protein forms S242L, S146L.
Identifiers: ClinVar variation 95599 (VCV000095599.45), dbSNP rs2491097, ClinGen allele CA148643.